The following is an entry in ClinVar:

NM_002900.3(RBP3):c.1828G>A (p.Gly610Arg)

Gene: RBP3 (retinol binding protein 3; plus strand). Cytogenetic location: 10q11.22.
Variant type: single nucleotide variant.
Coding change: c.1828G>A on transcript NM_002900.3 (MANE Select); coding-DNA position 1828, G replaced by A.
Protein change: p.Gly610Arg; replaces glycine 610 with arginine.
Molecular consequence: missense variant.
Genome position (GRCh38, 1-based): chr10:47,350,312, G>A. VCF-style: chr10-47350312-G-A. GRCh37 (hg19) VCF-style: chr10-48389050-C-T.
Other names: short protein forms G610R.
Identifiers: ClinVar variation 1389010 (VCV001389010.6), dbSNP rs2132254312, ClinGen allele CA376671562.
Genomic context (GRCh38, chr10:47,350,312, plus strand): 5'-GCGCTCACCGTGCCGGTCCTCACCTTCATCGACAATCACGGCGAGGCCTGGCTGGGTGGT[G>A]GAGTGGTGCCCGATGCCATCGTGCTGGCCGAGGAGGCCCTGGACAAAGCCCAGGAAGTGC-3'
Protein context (NP_002891.1, residues 600-620): DNHGEAWLGG[Gly610Arg]VVPDAIVLAE

ClinVar aggregate classification (germline): Uncertain significance (1 of 4 stars; one submission).

Submission:

Labcorp Genetics (formerly Invitae), Labcorp
Classification: Uncertain significance. Last evaluated: 2022-11-28. Review status: criteria provided, single submitter. Criteria: Invitae Variant Classification Sherloc (09022015). Collection method: clinical testing. Allele origin: germline.
Comment: This sequence change replaces glycine, which is neutral and non-polar, with arginine, which is basic and polar, at codon 610 of the RBP3 protein (p.Gly610Arg). This variant is not present in population databases (gnomAD no frequency). This variant has not been reported in the literature in individuals affected with RBP3-related conditions. ClinVar contains an entry for this variant (Variation ID: 1389010). Algorithms developed to predict the effect of missense changes on protein structure and function are either unavailable or do not agree on the potential impact of this missense change (SIFT: "Deleterious"; PolyPhen-2: "Probably Damaging"; Align-GVGD: "Class C15"). In summary, the available evidence is currently insufficient to determine the role of this variant in disease. Therefore, it has been classified as a Variant of Uncertain Significance.